The following is an entry in ClinVar:

ClinVar aggregate classification (germline): Conflicting classifications of pathogenicity. Review status: criteria provided, conflicting classifications (1 of 4 stars). 2 submissions from 2 submitters: Uncertain significance (1); Likely benign (1). Last evaluated 2023-08-28.

Conditions:
Intellectual disability, CASK-related, X-linked. Identifiers: MedGen CN043158.

Allele frequency attached by ClinVar (database versions not stated): gnomAD 0.00001.
gnomAD v4.1: 2 of 1,206,184 alleles (0.00017%); highest among the groups gnomAD compares: African/African-American, 0.0017%; no homozygotes.

Submissions (2):

Blueprint Genetics
Classification: Likely benign. Last evaluated: 2023-08-28. Review status: criteria provided, single submitter. Criteria: ACMG Guidelines, 2015. Collection method: clinical testing. Allele origin: germline.

Labcorp Genetics (formerly Invitae), Labcorp
Classification: Uncertain significance for Intellectual disability, CASK-related, X-linked. Last evaluated: 2023-07-17. Review status: criteria provided, single submitter. Criteria: Invitae Variant Classification Sherloc (09022015). Collection method: clinical testing. Allele origin: germline.
Comment: In summary, the available evidence is currently insufficient to determine the role of this variant in disease. Therefore, it has been classified as a Variant of Uncertain Significance. Advanced modeling of protein sequence and biophysical properties (such as structural, functional, and spatial information, amino acid conservation, physicochemical variation, residue mobility, and thermodynamic stability) has been performed at Invitae for this missense variant, however the output from this modeling did not meet the statistical confidence thresholds required to predict the impact of this variant on CASK protein function. This variant has not been reported in the literature in individuals affected with CASK-related conditions. This variant is present in population databases (no rsID available, gnomAD no frequency). This sequence change replaces histidine, which is basic and polar, with glutamine, which is neutral and polar, at codon 372 of the CASK protein (p.His372Gln).

NM_001367721.1(CASK):c.1116C>G (p.His372Gln)

Gene: CASK (calcium/calmodulin dependent serine protein kinase; minus strand). Cytogenetic location: Xp11.4.
Variant type: single nucleotide variant.
Coding change: c.1116C>G on transcript NM_001367721.1 (MANE Select); coding-DNA position 1116, C replaced by G.
Protein change: p.His372Gln; replaces histidine 372 with glutamine.
Molecular consequence: missense variant.
Genome position (GRCh38, 1-based): chrX:41,609,943, G>C on the plus strand (C>G on the coding strand, the complement: CASK is on the minus strand). VCF-style: chrX-41609943-G-C. GRCh37 (hg19) VCF-style: chrX-41469196-G-C.
Other names: c.1116C>G, p.His372Gln (NM_001126054.3, NM_003688.4); c.1098C>G, p.His366Gln (NM_001126055.3, NM_001410745.1); short protein forms H366Q, H372Q.
Identifiers: ClinVar variation 2819889 (VCV002819889.4), dbSNP rs1396004482, ClinGen allele CA412999616.